The following is an entry in ClinVar:

NM_001376.5(DYNC1H1):c.8623A>G (p.Asn2875Asp)

Gene: DYNC1H1 (dynein cytoplasmic 1 heavy chain 1; plus strand). Cytogenetic location: 14q32.31.
Variant type: single nucleotide variant.
Coding change: c.8623A>G on transcript NM_001376.5 (MANE Select); coding-DNA position 8623, A replaced by G.
Protein change: p.Asn2875Asp; replaces asparagine 2875 with aspartic acid.
Molecular consequence: missense variant.
Genome position (GRCh38, 1-based): chr14:102,022,866, A>G. VCF-style: chr14-102022866-A-G. GRCh37 (hg19) VCF-style: chr14-102489203-A-G.
Other names: short protein forms N2875D.
Identifiers: ClinVar variation 2632431 (VCV002632431.2), dbSNP rs2503789789, ClinGen allele CA391007252.

ClinVar aggregate classification (germline): Uncertain significance (0 of 4 stars; one submission).

Conditions:
DYNC1H1-related disorder. Also called: DYNC1H1-related condition; DYNC1H1-related disorders. Identifiers: MedGen CN381529.

Submission:

PreventionGenetics, part of Exact Sciences
Classification: Uncertain significance for DYNC1H1-related condition. Last evaluated: 2024-08-23. Review status: no assertion criteria provided. Collection method: clinical testing. Allele origin: germline.
Comment: The DYNC1H1 c.8623A>G variant is predicted to result in the amino acid substitution p.Asn2875Asp. To our knowledge, this variant has not been reported in the literature or in a large population database, indicating this variant is rare. At this time, the clinical significance of this variant is uncertain due to the absence of conclusive functional and genetic evidence.